The following is an entry in ClinVar:

NM_000548.5(TSC2):c.3242T>A (p.Leu1081Gln)

Gene: TSC2 (TSC complex subunit 2; plus strand). Cytogenetic location: 16p13.3.
Variant type: single nucleotide variant.
Coding change: c.3242T>A on transcript NM_000548.5 (MANE Select); coding-DNA position 3242, T replaced by A.
Protein change: p.Leu1081Gln; replaces leucine 1081 with glutamine.
Molecular consequence: missense variant. On other transcripts: non-coding transcript variant (5).
Genome position (GRCh38, 1-based): chr16:2,079,386, T>A. VCF-style: chr16-2079386-T-A. GRCh37 (hg19) VCF-style: chr16-2129387-T-A.
Other names: c.3110T>A, p.Leu1037Gln (NM_001077183.3, NM_001370404.1, NM_001406665.1); c.3242T>A, p.Leu1081Gln (NM_001114382.3); c.3002T>A, p.Leu1001Gln (NM_001318827.2); c.2966T>A, p.Leu989Gln (NM_001318829.2); c.2510T>A, p.Leu837Gln (NM_001318831.2, NM_001406687.1, NM_001406688.1); c.3143T>A, p.Leu1048Gln (NM_001318832.2); c.3113T>A, p.Leu1038Gln (NM_001363528.2, NM_001370405.1, NM_021055.3); c.3239T>A, p.Leu1080Gln (NM_001406663.1, NM_001406664.1); and 18 more; short protein forms L1018Q, L1031Q, L1038Q, L1067Q, L589Q, L837Q, L988Q, L1001Q.
Identifiers: ClinVar variation 3329493 (VCV003329493.1).

ClinVar aggregate classification (germline): Uncertain significance (1 of 4 stars; one submission).

Conditions:
Hereditary cancer-predisposing syndrome. Also called: Neoplastic Syndromes, Hereditary; Tumor predisposition; Hereditary neoplastic syndrome; Hereditary Cancer Syndrome. Identifiers: Orphanet 140162, MedGen C0027672, MeSH D009386, MONDO:0015356.

Submission:

Ambry Genetics
Classification: Uncertain significance for Hereditary cancer-predisposing syndrome. Last evaluated: 2024-04-01. Review status: criteria provided, single submitter. Criteria: Ambry Variant Classification Scheme 2023. Collection method: clinical testing. Allele origin: germline.
Comment: The p.L1081Q variant (also known as c.3242T>A), located in coding exon 27 of the TSC2 gene, results from a T to A substitution at nucleotide position 3242. The leucine at codon 1081 is replaced by glutamine, an amino acid with dissimilar properties. This amino acid position is conserved. In addition, this alteration is predicted to be deleterious by in silico analysis. Based on the available evidence, the clinical significance of this alteration remains unclear.